The following is an entry in ClinVar:

ClinVar aggregate classification (germline): Likely benign. Review status: criteria provided, single submitter (1 of 4 stars). 2 submissions from 2 submitters: Likely benign (1). 1 of the submissions does not count toward it. Last evaluated 2025-11-01.

Conditions:
SOX4-related disorder. Also called: SOX4-related condition.

Allele frequency attached by ClinVar (database versions not stated): 1000 Genomes Project 0.00080; 1000 Genomes Project 30x 0.00125.

Submissions (2):

CeGaT Center for Human Genetics Tuebingen
Classification: Likely benign. Last evaluated: 2025-11-01. Review status: criteria provided, single submitter. Criteria: CeGaT Center For Human Genetics Tuebingen Variant Classification Criteria Version 2. Collection method: clinical testing. Allele origin: germline. Affected: yes. Observed: 3 variant alleles.
Comment: SOX4: BP4, BP7

PreventionGenetics, part of Exact Sciences
Classification: Likely benign for SOX4-related condition. Last evaluated: 2019-11-19. Review status: no assertion criteria provided. Collection method: clinical testing. Allele origin: germline. Not counted in ClinVar's aggregate classification.
Comment: This variant is classified as likely benign based on ACMG/AMP sequence variant interpretation guidelines (Richards et al. 2015 PMID: 25741868, with internal and published modifications).

NM_003107.3(SOX4):c.531G>C (p.Ala177=)

Gene: SOX4 (SRY-box transcription factor 4; plus strand). Cytogenetic location: 6p22.3.
Variant type: single nucleotide variant.
Coding change: c.531G>C on transcript NM_003107.3 (MANE Select); coding-DNA position 531, G replaced by C.
Protein change: p.Ala177=; no amino-acid change (alanine 177 retained).
Molecular consequence: synonymous variant.
Genome position (GRCh38, 1-based): chr6:21,595,065, G>C. VCF-style: chr6-21595065-G-C. GRCh37 (hg19) VCF-style: chr6-21595296-G-C.
Other names: c.531G>C (NM_003107.2).
Identifiers: ClinVar variation 2656270 (VCV002656270.25), dbSNP rs569299528, ClinGen allele CA3653614.